The following is an entry in ClinVar:

ClinVar aggregate classification (germline): Likely benign (0 of 4 stars; one submission).

Conditions:
FARSA-related disorder. Also called: FARSA-related condition.

Allele frequency attached by ClinVar (database versions not stated): gnomAD 0.00001; TOPMed 0.00001; gnomAD exomes 0.00002; ExAC 0.00004.
gnomAD v4.1: 27 of 1,595,640 alleles (0.0017%); highest among the groups gnomAD compares: South Asian, 0.021%; no homozygotes.

Submission:

PreventionGenetics, part of Exact Sciences
Classification: Likely benign for FARSA-related condition. Last evaluated: 2019-08-08. Review status: no assertion criteria provided. Collection method: clinical testing. Allele origin: germline.
Comment: This variant is classified as likely benign based on ACMG/AMP sequence variant interpretation guidelines (Richards et al. 2015 PMID: 25741868, with internal and published modifications).

NM_004461.3(FARSA):c.1125C>T (p.Gly375=)

Gene: FARSA (phenylalanyl-tRNA synthetase subunit alpha; minus strand). Cytogenetic location: 19p13.13.
Variant type: single nucleotide variant.
Coding change: c.1125C>T on transcript NM_004461.3 (MANE Select); coding-DNA position 1125, C replaced by T.
Protein change: p.Gly375=; no amino-acid change (glycine 375 retained).
Molecular consequence: synonymous variant.
Genome position (GRCh38, 1-based): chr19:12,924,709, G>A on the plus strand (C>T on the coding strand, the complement: FARSA is on the minus strand). VCF-style: chr19-12924709-G-A. GRCh37 (hg19) VCF-style: chr19-13035523-G-A.
Identifiers: ClinVar variation 3034623 (VCV003034623.2), dbSNP rs756513794, ClinGen allele CA9235144.